The following is an entry in ClinVar:

NM_015884.4(MBTPS2):c.706A>G (p.Ile236Val)

Gene: MBTPS2 (membrane bound transcription factor peptidase, site 2; plus strand). Cytogenetic location: Xp22.12.
Variant type: single nucleotide variant.
Coding change: c.706A>G on transcript NM_015884.4 (MANE Select); coding-DNA position 706, A replaced by G.
Protein change: p.Ile236Val; replaces isoleucine 236 with valine.
Molecular consequence: missense variant.
Genome position (GRCh38, 1-based): chrX:21,868,502, A>G. VCF-style: chrX-21868502-A-G. GRCh37 (hg19) VCF-style: chrX-21886620-A-G.
Other names: short protein forms I236V.
Identifiers: ClinVar variation 95743 (VCV000095743.37), dbSNP rs369520528, ClinGen allele CA223240.

ClinVar aggregate classification (germline): Conflicting classifications of pathogenicity. Review status: criteria provided, conflicting classifications (1 of 4 stars). 5 submissions from 5 submitters: Uncertain significance (1); Benign (1); Likely benign (3). Last evaluated 2025-08-07.

Conditions:
MBTPS2-related disorder. Also called: MBTPS2-related condition.

Allele frequency attached by ClinVar (database versions not stated): gnomAD exomes 0.00007; gnomAD 0.00008 and 0.00007; TOPMed 0.00008; ExAC 0.00009; ESP Exome Variant Server 0.00009.
gnomAD v4.1: 89 of 1,207,190 alleles (0.0074%); highest among the groups gnomAD compares: Middle Eastern, 0.32%; no homozygotes.

Submissions (5):

PreventionGenetics, part of Exact Sciences
Classification: Likely benign for MBTPS2-related condition. Last evaluated: 2025-08-07. Review status: criteria provided, single submitter. Criteria: ACMG Guidelines, 2015. Collection method: clinical testing. Allele origin: germline.
Comment: This variant is classified as likely benign based on ACMG/AMP sequence variant interpretation guidelines (Richards et al. 2015 PMID: 25741868, with internal and published modifications).

Labcorp Genetics (formerly Invitae), Labcorp
Classification: Benign. Last evaluated: 2025-05-12. Review status: criteria provided, single submitter. Criteria: Invitae Variant Classification Sherloc (09022015). Collection method: clinical testing. Allele origin: germline.

Blueprint Genetics
Classification: Likely benign. Last evaluated: 2024-09-06. Review status: criteria provided, single submitter. Criteria: ACMG Guidelines, 2015. Collection method: clinical testing. Allele origin: germline.

CeGaT Center for Human Genetics Tuebingen
Classification: Likely benign. Last evaluated: 2022-12-01. Review status: criteria provided, single submitter. Criteria: CeGaT Center For Human Genetics Tuebingen Variant Classification Criteria Version 2. Collection method: clinical testing. Allele origin: germline. Affected: yes. Observed: 1 variant allele.
Comment: MBTPS2: BS2

Eurofins Ntd Llc (ga)
Classification: Uncertain significance. Last evaluated: 2013-04-19. Review status: criteria provided, single submitter. Criteria: EGL Classification Definitions 2015. Collection method: clinical testing. Allele origin: germline. Observed: 1 variant allele, 1 hemizygote.